The following is an entry in ClinVar:

ClinVar aggregate classification (germline): Conflicting classifications of pathogenicity. Review status: criteria provided, conflicting classifications (1 of 4 stars). 6 submissions from 6 submitters: Uncertain significance (4); Likely benign (1). 1 of the submissions does not count toward it. Last evaluated 2025-12-17.

Conditions:
Cardiovascular phenotype. Identifiers: MedGen CN230736.
Alstrom syndrome (ALMS). Identifiers: Orphanet 64, MedGen C0268425, MONDO:0008763, OMIM 203800.

Allele frequency attached by ClinVar (database versions not stated): ExAC 0.00005; gnomAD 0.00005; gnomAD exomes 0.00006 and 0.00018; TOPMed 0.00007.
gnomAD v4.1: 273 of 1,613,870 alleles (0.017%); highest among the groups gnomAD compares: Non-Finnish European, 0.022%; no homozygotes.

Submissions (6):

GeneDx
Classification: Uncertain significance. Last evaluated: 2025-12-17. Review status: criteria provided, single submitter. Criteria: GeneDx Variant Classification Process June 2021. Collection method: clinical testing. Allele origin: germline. Affected: yes.
Comment: Not observed at significant frequency in large population cohorts (gnomAD); In silico analysis indicates that this missense variant does not alter protein structure/function; Has not been previously published as pathogenic or benign to our knowledge

Ambry Genetics
Classification: Likely benign for Cardiovascular phenotype. Last evaluated: 2024-12-13. Review status: criteria provided, single submitter. Criteria: Ambry Variant Classification Scheme 2023. Collection method: clinical testing. Allele origin: germline.

Labcorp Genetics (formerly Invitae), Labcorp
Classification: Uncertain significance for Alstrom syndrome. Last evaluated: 2022-10-12. Review status: criteria provided, single submitter. Criteria: Invitae Variant Classification Sherloc (09022015). Collection method: clinical testing. Allele origin: germline.
Comment: This sequence change replaces serine, which is neutral and polar, with proline, which is neutral and non-polar, at codon 624 of the ALMS1 protein (p.Ser624Pro). This variant is present in population databases (rs767987501, gnomAD 0.01%). This variant has not been reported in the literature in individuals affected with ALMS1-related conditions. ClinVar contains an entry for this variant (Variation ID: 210125). Algorithms developed to predict the effect of missense changes on protein structure and function output the following: SIFT: "Not Available"; PolyPhen-2: "Not Available"; Align-GVGD: "Not Available". The proline amino acid residue is found in multiple mammalian species, which suggests that this missense change does not adversely affect protein function. In summary, the available evidence is currently insufficient to determine the role of this variant in disease. Therefore, it has been classified as a Variant of Uncertain Significance.

Blueprint Genetics
Classification: Uncertain significance. Last evaluated: 2022-09-12. Review status: criteria provided, single submitter. Criteria: ACMG Guidelines, 2015. Collection method: clinical testing. Allele origin: germline.

Genetic Services Laboratory, University of Chicago
Classification: Uncertain significance. Last evaluated: 2015-07-02. Review status: criteria provided, single submitter. Criteria: ACMG Guidelines, 2015. Collection method: clinical testing. Allele origin: germline.

Natera, Inc.
Classification: Uncertain significance for Alstrom syndrome. Last evaluated: 2020-09-16. Review status: no assertion criteria provided. Collection method: clinical testing. Allele origin: germline. Not counted in ClinVar's aggregate classification.

NM_001378454.1(ALMS1):c.1867T>C (p.Ser623Pro)

Gene: ALMS1 (ALMS1 centrosome and basal body associated protein; plus strand). Cytogenetic location: 2p13.1.
Variant type: single nucleotide variant.
Coding change: c.1867T>C on transcript NM_001378454.1 (MANE Select); coding-DNA position 1867, T replaced by C.
Protein change: p.Ser623Pro; replaces serine 623 with proline.
Molecular consequence: missense variant.
Genome position (GRCh38, 1-based): chr2:73,448,394, T>C. VCF-style: chr2-73448394-T-C. GRCh37 (hg19) VCF-style: chr2-73675521-T-C.
Other names: c.1870T>C, p.Ser624Pro (NM_015120.4); short protein forms S624P, S623P.
Identifiers: ClinVar variation 210125 (VCV000210125.19), dbSNP rs767987501, ClinGen allele CA206165.